The following is an entry in ClinVar:

NM_005228.5(EGFR):c.2858T>G (p.Ile953Arg)

Gene: EGFR (epidermal growth factor receptor; plus strand). Cytogenetic location: 7p11.2.
Variant type: single nucleotide variant.
Coding change: c.2858T>G on transcript NM_005228.5 (MANE Select); coding-DNA position 2858, T replaced by G.
Protein change: p.Ile953Arg; replaces isoleucine 953 with arginine.
Molecular consequence: missense variant.
Genome position (GRCh38, 1-based): chr7:55,200,325, T>G. VCF-style: chr7-55200325-T-G. GRCh37 (hg19) VCF-style: chr7-55268018-T-G.
Other names: c.2858T>G (NM_005228.3); c.2723T>G, p.Ile908Arg (NM_001346897.2, NM_001346899.2); c.2858T>G, p.Ile953Arg (NM_001346898.2); c.2699T>G, p.Ile900Arg (NM_001346900.2); c.2057T>G, p.Ile686Arg (NM_001346941.2); short protein forms I686R, I900R, I908R, I953R.
Identifiers: ClinVar variation 1013792 (VCV001013792.10), dbSNP rs1787790185, ClinGen allele CA367581706.

ClinVar aggregate classification (germline): Uncertain significance. Review status: criteria provided, multiple submitters, no conflicts (2 of 4 stars). 2 submissions from 2 submitters: Uncertain significance (2). Last evaluated 2025-11-30.

Conditions:
Hereditary cancer-predisposing syndrome. Also called: Hereditary Cancer Syndrome; Tumor predisposition; Neoplastic Syndromes, Hereditary; Hereditary neoplastic syndrome. Identifiers: Orphanet 140162, MedGen C0027672, MeSH D009386, MONDO:0015356.
EGFR-related lung cancer (EGFR). Identifiers: MedGen CN130014.

Submissions (2):

Ambry Genetics
Classification: Uncertain significance for Hereditary cancer-predisposing syndrome. Last evaluated: 2025-11-30. Review status: criteria provided, single submitter. Criteria: Ambry Variant Classification Scheme 2023. Collection method: clinical testing. Allele origin: germline.
Comment: The p.I953R variant (also known as c.2858T>G), located in coding exon 24 of the EGFR gene, results from a T to G substitution at nucleotide position 2858. The isoleucine at codon 953 is replaced by arginine, an amino acid with similar properties. This amino acid position is conserved. In addition, this alteration is predicted to be deleterious by in silico analysis. Based on the available evidence, the clinical significance of this variant remains unclear.

Labcorp Genetics (formerly Invitae), Labcorp
Classification: Uncertain significance for EGFR-related lung cancer. Last evaluated: 2020-08-21. Review status: criteria provided, single submitter. Criteria: Invitae Variant Classification Sherloc (09022015). Collection method: clinical testing. Allele origin: germline.
Comment: This variant is not present in population databases (ExAC no frequency). This sequence change replaces isoleucine with arginine at codon 953 of the EGFR protein (p.Ile953Arg). The isoleucine residue is moderately conserved and there is a moderate physicochemical difference between isoleucine and arginine. This variant has not been reported in the literature in individuals with EGFR-related conditions. Algorithms developed to predict the effect of missense changes on protein structure and function are either unavailable or do not agree on the potential impact of this missense change (SIFT: "Deleterious"; PolyPhen-2: "Probably Damaging"; Align-GVGD: "Class C0"). In summary, the available evidence is currently insufficient to determine the role of this variant in disease. Therefore, it has been classified as a Variant of Uncertain Significance.